The following is an entry in ClinVar:

ClinVar aggregate classification (germline): Uncertain significance (1 of 4 stars; one submission).

Submission:

GeneDx
Classification: Uncertain significance. Last evaluated: 2026-02-05. Review status: criteria provided, single submitter. Criteria: GeneDx Variant Classification Process June 2021. Collection method: clinical testing. Allele origin: germline.
Comment: Not observed at significant frequency in large population cohorts (gnomAD); In silico analysis suggests that this missense variant does not alter protein structure/function; Has not been previously published as pathogenic or benign to our knowledge

NM_002292.4(LAMB2):c.5048C>T (p.Thr1683Ile)

Gene: LAMB2 (laminin subunit beta 2; minus strand). Cytogenetic location: 3p21.31.
Variant type: single nucleotide variant.
Coding change: c.5048C>T on transcript NM_002292.4 (MANE Select); coding-DNA position 5048, C replaced by T.
Protein change: p.Thr1683Ile; replaces threonine 1683 with isoleucine.
Molecular consequence: missense variant.
Genome position (GRCh38, 1-based): chr3:49,121,736, G>A on the plus strand (C>T on the coding strand, the complement: LAMB2 is on the minus strand). VCF-style: chr3-49121736-G-A. GRCh37 (hg19) VCF-style: chr3-49159169-G-A.
Other names: short protein forms T1683I.
Identifiers: ClinVar variation 4975625 (VCV004975625.1).